The following is an entry in ClinVar:

NM_002439.5(MSH3):c.796G>T (p.Ala266Ser)

Gene: MSH3 (mutS homolog 3; plus strand). Cytogenetic location: 5q14.1.
Variant type: single nucleotide variant.
Coding change: c.796G>T on transcript NM_002439.5 (MANE Select); coding-DNA position 796, G replaced by T.
Protein change: p.Ala266Ser; replaces alanine 266 with serine.
Molecular consequence: missense variant.
Genome position (GRCh38, 1-based): chr5:80,672,247, G>T. VCF-style: chr5-80672247-G-T. GRCh37 (hg19) VCF-style: chr5-79968066-G-T.
Other names: c.796G>T (NM_002439.3); short protein forms A266S.
Identifiers: ClinVar variation 657821 (VCV000657821.11), dbSNP rs1580551783, ClinGen allele CA360267057.

ClinVar aggregate classification (germline): Uncertain significance. Review status: criteria provided, multiple submitters, no conflicts (2 of 4 stars). 3 submissions from 3 submitters: Uncertain significance (3). Last evaluated 2025-07-15.

Conditions:
Hereditary cancer-predisposing syndrome. Also called: Hereditary neoplastic syndrome; Neoplastic Syndromes, Hereditary; Hereditary Cancer Syndrome; Tumor predisposition. Identifiers: Orphanet 140162, MedGen C0027672, MeSH D009386, MONDO:0015356.

Allele frequency attached by ClinVar (database versions not stated): gnomAD exomes 0.00001.
gnomAD v4.1: 7 of 1,606,730 alleles (0.00044%); highest among the groups gnomAD compares: Non-Finnish European, 0.0006%; no homozygotes.

Submissions (3):

Labcorp Genetics (formerly Invitae), Labcorp
Classification: Uncertain significance. Last evaluated: 2025-07-15. Review status: criteria provided, single submitter. Criteria: Invitae Variant Classification Sherloc (09022015). Collection method: clinical testing. Allele origin: germline.
Comment: This sequence change replaces alanine, which is neutral and non-polar, with serine, which is neutral and polar, at codon 266 of the MSH3 protein (p.Ala266Ser). This variant is not present in population databases (gnomAD no frequency). This variant has not been reported in the literature in individuals affected with MSH3-related conditions. ClinVar contains an entry for this variant (Variation ID: 657821). An algorithm developed to predict the effect of missense changes on protein structure and function (PolyPhen-2) suggests that this variant is likely to be disruptive. In summary, the available evidence is currently insufficient to determine the role of this variant in disease. Therefore, it has been classified as a Variant of Uncertain Significance.

Quest Diagnostics Nichols Institute San Juan Capistrano
Classification: Uncertain significance. Last evaluated: 2024-12-26. Review status: criteria provided, single submitter. Criteria: Quest Diagnostics criteria. Collection method: clinical testing. Allele origin: unknown.
Comment: The MSH3 c.796G>T (p.Ala266Ser) variant has not been reported in individuals with MSH3-related conditions in the published literature. It also has not been reported in large, multi-ethnic general populations (Genome Aggregation Database). Analysis of this variant using bioinformatics tools for the prediction of the effect of amino acid changes on protein structure and function yielded predictions that this variant is damaging. Based on the available information, we are unable to determine the clinical significance of this variant.

Ambry Genetics
Classification: Uncertain significance for Hereditary cancer-predisposing syndrome. Last evaluated: 2024-07-13. Review status: criteria provided, single submitter. Criteria: Ambry Variant Classification Scheme 2023. Collection method: clinical testing. Allele origin: germline.
Comment: The p.A266S variant (also known as c.796G>T), located in coding exon 5 of the MSH3 gene, results from a G to T substitution at nucleotide position 796. The alanine at codon 266 is replaced by serine, an amino acid with similar properties. This amino acid position is conserved. In addition, this alteration is predicted to be deleterious by in silico analysis. Based on the available evidence, the clinical significance of this variant remains unclear.